The following is an entry in ClinVar:

NC_012920.1(MT-ND2):m.5073A>G

Gene: MT-ND2 (mitochondrially encoded NADH dehydrogenase 2; plus strand).
Variant type: single nucleotide variant.
Genome position: chrM-5073-A-G.
Identifiers: ClinVar variation 692540 (VCV000692540.1), dbSNP rs1603219765, ClinGen allele CA414778762.

ClinVar aggregate classification (germline): Likely benign (1 of 4 stars; one submission).

Conditions:
Leigh syndrome (NULS). Also called: Leigh's necrotizing encephalopathy; Leigh's disease; Leigh Syndrome (mtDNA deletion); Leigh Disease; Subacute necrotizing encephalopathy; Necrotizing encephalopathy infantile subacute of Leigh. Identifiers: Orphanet 506, MedGen C2931891, MONDO:0009723, OMIM 256000.

Submission:

Wong Mito Lab, Molecular and Human Genetics, Baylor College of Medicine
Classification: Likely benign for Leigh syndrome. Last evaluated: 2019-10-17. Review status: criteria provided, single submitter. Criteria: Modified ACMG Guidelines (Unpublished). Collection method: clinical testing. Allele origin: germline.
Comment: The NC_012920.1:m.5073A>G (YP_003024027.1:p.Ile202Val) variant in MTND2 gene is interpretated to be a Likely Benign variant based on the modified ACMG guidelines (unpublished). This variant meets the following evidence codes: BP4, BP5

Literature cited by the submitters: PubMed 29481798.